The following is an entry in ClinVar:

ClinVar aggregate classification (germline): Uncertain significance (1 of 4 stars; one submission).

Conditions:
3-methylcrotonyl-CoA carboxylase 1 deficiency (MCC1D). Also called: MCCD TYPE 1; METHYLCROTONYLGLYCINURIA TYPE I; MCC 1 deficiency; 3 Alpha methylcrotonylglycinuria 1. Identifiers: Orphanet 6, MedGen CN028786, MONDO:0008861, OMIM 210200.

Submission:

Labcorp Genetics (formerly Invitae), Labcorp
Classification: Uncertain significance for 3-methylcrotonyl-CoA carboxylase 1 deficiency. Last evaluated: 2025-05-02. Review status: criteria provided, single submitter. Criteria: Invitae Variant Classification Sherloc (09022015). Collection method: clinical testing. Allele origin: germline.
Comment: This sequence change falls in intron 12 of the MCCC1 gene. It does not directly change the encoded amino acid sequence of the MCCC1 protein. It affects a nucleotide within the consensus splice site. This variant is not present in population databases (gnomAD no frequency). This variant has not been reported in the literature in individuals affected with MCCC1-related conditions. Variants that disrupt the consensus splice site are a relatively common cause of aberrant splicing (PMID: 17576681, 9536098). Algorithms developed to predict the effect of sequence changes on RNA splicing suggest that this variant may disrupt the consensus splice site. In summary, the available evidence is currently insufficient to determine the role of this variant in disease. Therefore, it has been classified as a Variant of Uncertain Significance.

Literature cited by the submitters: PubMed 17576681; PubMed 9536098.

NM_020166.5(MCCC1):c.1377+5G>A

Gene: MCCC1 (methylcrotonyl-CoA carboxylase subunit 1; minus strand). Cytogenetic location: 3q27.1.
Variant type: single nucleotide variant.
Coding change: c.1377+5G>A on transcript NM_020166.5 (MANE Select); 5 bases into the intron after coding-DNA position 1377, G replaced by A.
Molecular consequence: intron variant.
Genome position (GRCh38, 1-based): chr3:183,039,021, C>T on the plus strand (G>A on the coding strand, the complement: MCCC1 is on the minus strand). VCF-style: chr3-183039021-C-T. GRCh37 (hg19) VCF-style: chr3-182756809-C-T.
Other names: c.1050+5G>A (NM_001363880.1); c.1026+5G>A (NM_001293273.2).
Identifiers: ClinVar variation 4718793 (VCV004718793.1).